The following is an entry in ClinVar:

NM_024312.5(GNPTAB):c.264_265del (p.Glu88fs)

Gene: GNPTAB (N-acetylglucosamine-1-phosphate transferase subunits alpha and beta; minus strand). Cytogenetic location: 12q23.2.
Variant type: Deletion.
Coding change: c.264_265del on transcript NM_024312.5 (MANE Select); coding-DNA positions 264 to 265, 2 bases deleted (AC; older notation c.264_265delAC).
Protein change: p.Glu88fs; shifts the reading frame from glutamic acid 88.
Molecular consequence: frameshift variant.
Genome position (GRCh38, 1-based): chr12:101,789,996-101,789,997, GT deleted on the plus strand (AC on the coding strand, the reverse complement: GNPTAB is on the minus strand). VCF-style (leftmost placement, unchanged base first): chr12-101789995-AGT-A. GRCh37 (hg19) VCF-style: chr12-102183773-AGT-A.
Other names: short protein forms E88fs.
Identifiers: ClinVar variation 5012836 (VCV005012836.1).

ClinVar aggregate classification (germline): Pathogenic (1 of 4 stars; one submission).

Conditions:
GNPTAB-mucolipidosis. Also called: UDP-N-acetylglucosamine-1-phosphotransferase subunit alpha/beta deficiency. Identifiers: MedGen CN322573, MONDO:0100122.

Submission:

Myriad Genetics, Inc.
Classification: Pathogenic for GNPTAB-mucolipidosis. Last evaluated: 2024-03-20. Review status: criteria provided, single submitter. Criteria: Myriad Autosomal Dominant, Autosomal Recessive and X-Linked Classification Criteria (2023). Collection method: clinical testing. Allele origin: unknown.
Comment: NM_024312.4(GNPTAB):c.264_265delAC(E88Dfs*32) is expected to be pathogenic in the context of GNPTAB-related disorders. This variant is predicted to lead to an abnormal or absent protein product due to the creation of a premature termination codon in GNPTAB, a gene where loss-of-function variants are known to be pathogenic. Please note: this variant was assessed in the context of healthy population screening.